The following is an entry in ClinVar:

NM_016343.4(CENPF):c.3780C>T (p.Gly1260=)

Gene: CENPF (centromere protein F; plus strand). Cytogenetic location: 1q41.
Variant type: single nucleotide variant.
Coding change: c.3780C>T on transcript NM_016343.4 (MANE Select); coding-DNA position 3780, C replaced by T.
Protein change: p.Gly1260=; no amino-acid change (glycine 1260 retained).
Molecular consequence: synonymous variant.
Genome position (GRCh38, 1-based): chr1:214,642,118, C>T. VCF-style: chr1-214642118-C-T. GRCh37 (hg19) VCF-style: chr1-214815461-C-T.
Identifiers: ClinVar variation 3239228 (VCV003239228.19), dbSNP rs750917257.

ClinVar aggregate classification (germline): Likely benign (1 of 4 stars; one submission).

Allele frequency attached by ClinVar (database versions not stated): gnomAD exomes below 0.00001; ExAC 0.00001.
gnomAD v4.1: 2 of 1,613,586 alleles (0.00012%); highest among the groups gnomAD compares: African/African-American, 0.0013%; no homozygotes.

Submission:

CeGaT Center for Human Genetics Tuebingen
Classification: Likely benign. Last evaluated: 2024-05-01. Review status: criteria provided, single submitter. Criteria: CeGaT Center For Human Genetics Tuebingen Variant Classification Criteria Version 2. Collection method: clinical testing. Allele origin: germline. Affected: yes. Observed: 1 variant allele.
Comment: CENPF: BP4, BP7